The following is an entry in ClinVar:

ClinVar aggregate classification (germline): Uncertain significance. Review status: criteria provided, multiple submitters, no conflicts (2 of 4 stars). 2 submissions from 2 submitters: Uncertain significance (2). Last evaluated 2022-08-20.

Conditions:
Neuromuscular disease caused by qualitative or quantitative defects of dysferlin. Also called: Qualitative or quantitative defects of dysferlin; Dysferlinopathy. Identifiers: Orphanet 207073, MedGen C2931687, MONDO:0016145.

Allele frequency attached by ClinVar (database versions not stated): gnomAD exomes below 0.00001; ExAC 0.00001.
gnomAD v4.1: 5 of 1,614,236 alleles (0.00031%); highest among the groups gnomAD compares: Admixed American, 0.005%; no homozygotes.

Submissions (2):

Labcorp Genetics (formerly Invitae), Labcorp
Classification: Uncertain significance for Neuromuscular disease caused by qualitative or quantitative defects of dysferlin. Last evaluated: 2022-08-20. Review status: criteria provided, single submitter. Criteria: Invitae Variant Classification Sherloc (09022015). Collection method: clinical testing. Allele origin: germline.
Comment: This sequence change replaces cysteine, which is neutral and slightly polar, with glycine, which is neutral and non-polar, at codon 1522 of the DYSF protein (p.Cys1522Gly). This variant is present in population databases (rs768643299, gnomAD 0.003%). This variant has not been reported in the literature in individuals affected with DYSF-related conditions. Advanced modeling of protein sequence and biophysical properties (such as structural, functional, and spatial information, amino acid conservation, physicochemical variation, residue mobility, and thermodynamic stability) performed at Invitae indicates that this missense variant is expected to disrupt DYSF protein function. In summary, the available evidence is currently insufficient to determine the role of this variant in disease. Therefore, it has been classified as a Variant of Uncertain Significance.

Revvity Omics, Revvity
Classification: Uncertain significance. Last evaluated: 2020-10-29. Review status: criteria provided, single submitter. Criteria: ACMG Guidelines, 2015. Collection method: clinical testing. Allele origin: germline.

NM_001130987.2(DYSF):c.4681T>G (p.Cys1561Gly)

Gene: DYSF (dysferlin; plus strand). Cytogenetic location: 2p13.2.
Variant type: single nucleotide variant.
Coding change: c.4681T>G on transcript NM_001130987.2 (MANE Select); coding-DNA position 4681, T replaced by G.
Protein change: p.Cys1561Gly; replaces cysteine 1561 with glycine.
Molecular consequence: missense variant.
Genome position (GRCh38, 1-based): chr2:71,656,216, T>G. VCF-style: chr2-71656216-T-G. GRCh37 (hg19) VCF-style: chr2-71883346-T-G.
Other names: c.4567T>G, p.Cys1523Gly (NM_001130455.2); c.4522T>G, p.Cys1508Gly (NM_001130976.2); c.4585T>G, p.Cys1529Gly (NM_001130977.2); c.4627T>G, p.Cys1543Gly (NM_001130978.2); c.4657T>G, p.Cys1553Gly (NM_001130979.2); c.4615T>G, p.Cys1539Gly (NM_001130980.2); c.4678T>G, p.Cys1560Gly (NM_001130981.2); c.4660T>G, p.Cys1554Gly (NM_001130982.2); and 6 more; short protein forms C1508G, C1529G, C1530G, C1540G, C1543G, C1553G, C1554G, C1509G.
Identifiers: ClinVar variation 2073413 (VCV002073413.4), dbSNP rs768643299, ClinGen allele CA1707103.
Genomic context (GRCh38, chr2:71,656,216, plus strand): 5'-TGGCAGGTCTATGACACACAGCTGGAGAATGTGGAGGCCTTTGAGGGCCTGTCTGACTTT[T>G]GTAACACCTTCAAGCTGTACCGGGGCAAGACGCAGGAGGAGACAGAAGATCCATCTGTGA-3'
Protein context (NP_001124459.1, residues 1551-1571): VEAFEGLSDF[Cys1561Gly]NTFKLYRGKT